The following is an entry in ClinVar:

ClinVar aggregate classification (germline): Uncertain significance. Review status: criteria provided, multiple submitters, no conflicts (2 of 4 stars). 2 submissions from 2 submitters: Uncertain significance (2). Last evaluated 2023-06-20.

Allele frequency attached by ClinVar (database versions not stated): TOPMed 0.00001; gnomAD exomes 0.00002; ExAC 0.00001; gnomAD 0.00001.

Submissions (2):

Labcorp Genetics (formerly Invitae), Labcorp
Classification: Uncertain significance. Last evaluated: 2023-06-20. Review status: criteria provided, single submitter. Criteria: Invitae Variant Classification Sherloc (09022015). Collection method: clinical testing. Allele origin: germline.
Comment: This variant is present in population databases (rs772998377, gnomAD 0.0009%). This sequence change creates a premature translational stop signal (p.Gln490Argfs*12) in the KANK1 gene. It is expected to result in an absent or disrupted protein product. However, the current clinical and genetic evidence is not sufficient to establish whether loss-of-function variants in KANK1 cause disease. This variant has not been reported in the literature in individuals affected with KANK1-related conditions. ClinVar contains an entry for this variant (Variation ID: 504209). In summary, the available evidence is currently insufficient to determine the role of this variant in disease. Therefore, it has been classified as a Variant of Uncertain Significance.

GeneDx
Classification: Uncertain significance. Last evaluated: 2018-02-07. Review status: criteria provided, single submitter. Criteria: GeneDx Variant Classification (06012015). Collection method: clinical testing. Allele origin: germline. Affected: yes.
Comment: The c.1469_1470delAA variant in the KANK1 gene has not been reported previously as a pathogenic variant nor as a benign variant, to our knowledge. The c.1469_1470delAA variant causes a frameshift starting with codon Glutamine 490, changes this amino acid to an Arginine residue, and creates a premature Stop codon at position 12 of the new reading frame, denoted p.Gln490ArgfsX12. This variant is predicted to cause loss of normal protein function either through protein truncation or nonsense-mediated mRNA decay. The c.1469_1470delAA variant is observed in 1/111546 alleles from individuals of non-Finnish European background in large population cohorts (Lek et al., 2016). We interpret c.1469_1470delAA as a variant of uncertain significance.

NM_015158.5(KANK1):c.1469_1470del (p.Gln490fs)

Gene: KANK1 (KN motif and ankyrin repeat domains 1; plus strand). Cytogenetic location: 9p24.3.
Variant type: Deletion.
Coding change: c.1469_1470del on transcript NM_015158.5 (MANE Select); coding-DNA positions 1469 to 1470, 2 bases deleted (AA; older notation c.1469_1470delAA).
Protein change: p.Gln490fs; shifts the reading frame from glutamine 490.
Molecular consequence: frameshift variant. On other transcripts: non-coding transcript variant (1).
Genome position (GRCh38, 1-based): chr9:712,235-712,236, AA deleted. VCF-style (leftmost placement, unchanged base first): chr9-712234-CAA-C. GRCh37 (hg19) VCF-style: chr9-712234-CAA-C.
Other names: c.1469_1470del, p.Gln490fs (NM_001256876.3, NM_001256877.3, NM_001354331.2 and 2 more transcripts); c.995_996del, p.Gln332fs (NM_001354333.2, NM_001354335.2, NM_001354336.2 and 9 more transcripts); short protein forms Q490fs, Q332fs.
Identifiers: ClinVar variation 504209 (VCV000504209.6), dbSNP rs772998377, ClinGen allele CA4960231.
Genomic context (GRCh38, chr9:712,234, plus strand): 5'-TATCGCCTAGAAGTACAGCTTAGAGAAACCACCCATGACCGGGAGATGACTAAACTGAAA[CAA>C]GAGCTGCAGGCTGCTGGATCGAGGAAAAAGGTTGACAAAGCCACGATGGCCCAGCCGCTT-3'